The following is an entry in ClinVar:

NM_015047.3(EMC1):c.1191G>C (p.Gln397His)

Genes: EMC1 (ER membrane protein complex subunit 1; minus strand), EMC1-AS1 (EMC1 antisense RNA 1; plus strand). Cytogenetic location: 1p36.13.
Variant type: single nucleotide variant.
Coding change: c.1191G>C on transcript NM_015047.3 (MANE Select); coding-DNA position 1191, G replaced by C.
Protein change: p.Gln397His; replaces glutamine 397 with histidine.
Molecular consequence: missense variant.
Genome position (GRCh38, 1-based): chr1:19,238,038, C>G on the plus strand (G>C on the coding strand, the complement: EMC1 is on the minus strand). VCF-style: chr1-19238038-C-G. GRCh37 (hg19) VCF-style: chr1-19564532-C-G.
Other names: c.1188G>C, p.Gln396His (NM_001271427.2, NM_001375821.1); c.1191G>C, p.Gln397His (NM_001271428.2, NM_001375820.1); c.1125G>C, p.Gln375His (NM_001271429.2); short protein forms Q375H, Q397H, Q396H.
Identifiers: ClinVar variation 2066476 (VCV002066476.4), dbSNP rs777706748, ClinGen allele CA18821070.

ClinVar aggregate classification (germline): Uncertain significance (1 of 4 stars; one submission).

Allele frequency attached by ClinVar (database versions not stated): gnomAD exomes below 0.00001.
gnomAD v4.1: 2 of 1,613,994 alleles (0.00012%); highest among the groups gnomAD compares: Non-Finnish European, 0.00017%; no homozygotes.

Submission:

Labcorp Genetics (formerly Invitae), Labcorp
Classification: Uncertain significance. Last evaluated: 2025-10-24. Review status: criteria provided, single submitter. Criteria: Invitae Variant Classification Sherloc (09022015). Collection method: clinical testing. Allele origin: germline.
Comment: This sequence change replaces glutamine, which is neutral and polar, with histidine, which is basic and polar, at codon 397 of the EMC1 protein (p.Gln397His). This variant is not present in population databases (gnomAD no frequency). This variant has not been reported in the literature in individuals affected with EMC1-related conditions. ClinVar contains an entry for this variant (Variation ID: 2066476). Invitae Evidence Modeling of protein sequence and biophysical properties (such as structural, functional, and spatial information, amino acid conservation, physicochemical variation, residue mobility, and thermodynamic stability) indicates that this missense variant is not expected to disrupt EMC1 protein function with a negative predictive value of 80%. In summary, the available evidence is currently insufficient to determine the role of this variant in disease. Therefore, it has been classified as a Variant of Uncertain Significance.